The following is an entry in ClinVar:

ClinVar aggregate classification (germline): Likely benign (1 of 4 stars; one submission).

Allele frequency attached by ClinVar (database versions not stated): ESP Exome Variant Server 0.00008.
gnomAD v4.1: 393 of 1,613,962 alleles (0.024%); highest among the groups gnomAD compares: East Asian, 0.098%; 1 homozygote.

Submission:

CeGaT Center for Human Genetics Tuebingen
Classification: Likely benign. Last evaluated: 2024-02-01. Review status: criteria provided, single submitter. Criteria: CeGaT Center For Human Genetics Tuebingen Variant Classification Criteria Version 2. Collection method: clinical testing. Allele origin: germline. Affected: yes. Observed: 3 variant alleles.
Comment: CAMK2A: BP4, BP7

NM_015981.4(CAMK2A):c.330G>A (p.Ala110=)

Gene: CAMK2A (calcium/calmodulin dependent protein kinase II alpha; minus strand). Cytogenetic location: 5q32.
Variant type: single nucleotide variant.
Coding change: c.330G>A on transcript NM_015981.4 (MANE Select); coding-DNA position 330, G replaced by A.
Protein change: p.Ala110=; no amino-acid change (alanine 110 retained).
Molecular consequence: synonymous variant.
Genome position (GRCh38, 1-based): chr5:150,256,774, C>T on the plus strand (G>A on the coding strand, the complement: CAMK2A is on the minus strand). VCF-style: chr5-150256774-C-T. GRCh37 (hg19) VCF-style: chr5-149636337-C-T.
Other names: c.330G>A, p.Ala110= (NM_001363989.1, NM_001363990.1, NM_001369025.2 and 1 more transcripts).
Identifiers: ClinVar variation 2655923 (VCV002655923.24), dbSNP rs200008559, ClinGen allele CA3509895.
Genomic context (GRCh38, chr5:150,256,774, plus strand): 5'-GCAAGAGTGCCCTGTCCCCGGGTGCCATTGCCAGGCAGCACCTGACACTCACCTGGCATC[C>T]GCCTCACTGTAATACTCCCGGGCCACGATATCTTCAAACAGTTCCCCACCAGTGACCCTG-3'
Protein context (NP_057065.2, residues 100-120): DIVAREYYSE[Ala110=]DASHCIQQIL